The following is an entry in ClinVar:

NM_001379286.1(ZNF423):c.3582C>T (p.His1194=)

Gene: ZNF423 (zinc finger protein 423; minus strand). Cytogenetic location: 16q12.1.
Variant type: single nucleotide variant.
Coding change: c.3582C>T on transcript NM_001379286.1 (MANE Select); coding-DNA position 3582, C replaced by T.
Protein change: p.His1194=; no amino-acid change (histidine 1194 retained).
Molecular consequence: synonymous variant.
Genome position (GRCh38, 1-based): chr16:49,626,189, G>A on the plus strand (C>T on the coding strand, the complement: ZNF423 is on the minus strand). VCF-style: chr16-49626189-G-A. GRCh37 (hg19) VCF-style: chr16-49660100-G-A.
Other names: c.3378C>T, p.His1126= (NM_001271620.2); c.3207C>T, p.His1069= (NM_001330533.2); c.3558C>T, p.His1186= (NM_015069.5); c.3558C>T (NM_015069.4).
Identifiers: ClinVar variation 1080580 (VCV001080580.11), dbSNP rs149068296, ClinGen allele CA8046254.

ClinVar aggregate classification (germline): Likely benign. Review status: criteria provided, multiple submitters, no conflicts (2 of 4 stars). 3 submissions from 3 submitters: Likely benign (3). Last evaluated 2026-01-06.

Conditions:
ZNF423-related disorder. Also called: ZNF423-related condition.
Nephronophthisis 14 (NPHP14). Identifiers: Orphanet 2318, MedGen C3539071, MONDO:0013916, OMIM 614844.

Allele frequency attached by ClinVar (database versions not stated): gnomAD 0.00003 and 0.00004; TOPMed 0.00006; gnomAD exomes 0.00007 and 0.00011; ESP Exome Variant Server 0.00008; ExAC 0.00012; 1000 Genomes Project 30x 0.00016; 1000 Genomes Project 0.00020.
gnomAD v4.1: 110 of 1,614,026 alleles (0.0068%); highest among the groups gnomAD compares: South Asian, 0.032%; 1 homozygote.

Submissions (3):

PreventionGenetics, part of Exact Sciences
Classification: Likely benign for ZNF423-related condition. Last evaluated: 2026-01-06. Review status: criteria provided, single submitter. Criteria: ACMG Guidelines, 2015. Collection method: clinical testing. Allele origin: germline.
Comment: This variant is classified as likely benign based on ACMG/AMP sequence variant interpretation guidelines (Richards et al. 2015 PMID: 25741868, with internal and published modifications).

Labcorp Genetics (formerly Invitae), Labcorp
Classification: Likely benign for Nephronophthisis 14. Last evaluated: 2025-10-31. Review status: criteria provided, single submitter. Criteria: Invitae Variant Classification Sherloc (09022015). Collection method: clinical testing. Allele origin: germline.

Blueprint Genetics
Classification: Likely benign. Last evaluated: 2024-10-01. Review status: criteria provided, single submitter. Criteria: ACMG Guidelines, 2015. Collection method: clinical testing. Allele origin: germline.